The following is an entry in ClinVar:

ClinVar aggregate classification (germline): Likely benign (0 of 4 stars; one submission).

Conditions:
SLC35C1-related disorder. Also called: SLC35C1-related condition.

Allele frequency attached by ClinVar (database versions not stated): gnomAD exomes 0.00001; ExAC 0.00002; gnomAD 0.00003; TOPMed 0.00005.
gnomAD v4.1: 21 of 1,612,758 alleles (0.0013%); highest among the groups gnomAD compares: African/African-American, 0.024%; no homozygotes.

Submission:

PreventionGenetics, part of Exact Sciences
Classification: Likely benign for SLC35C1-related condition. Last evaluated: 2019-08-14. Review status: no assertion criteria provided. Collection method: clinical testing. Allele origin: germline.
Comment: This variant is classified as likely benign based on ACMG/AMP sequence variant interpretation guidelines (Richards et al. 2015 PMID: 25741868, with internal and published modifications).

NM_018389.5(SLC35C1):c.717C>T (p.Cys239=)

Gene: SLC35C1 (solute carrier family 35 member C1; plus strand). Cytogenetic location: 11p11.2.
Variant type: single nucleotide variant.
Coding change: c.717C>T on transcript NM_018389.5 (MANE Select); coding-DNA position 717, C replaced by T.
Protein change: p.Cys239=; no amino-acid change (cysteine 239 retained).
Molecular consequence: synonymous variant.
Genome position (GRCh38, 1-based): chr11:45,810,957, C>T. VCF-style: chr11-45810957-C-T. GRCh37 (hg19) VCF-style: chr11-45832508-C-T.
Other names: c.678C>T, p.Cys226= (NM_001145265.2, NM_001145266.2, NM_001425156.1); c.717C>T, p.Cys239= (NM_001425155.1).
Identifiers: ClinVar variation 3053117 (VCV003053117.2), dbSNP rs769314569, ClinGen allele CA5958319.
Genomic context (GRCh38, chr11:45,810,957, plus strand): 5'-GCTCCCGGCGGTGGACGGCAGCATCTGGCGCCTGACTTTCTACAACAACGTCAACGCCTG[C>T]ATCCTCTTCCTGCCCCTGCTCCTGCTGCTCGGGGAGCTTCAGGCCCTGCGTGACTTTGCC-3'
Protein context (NP_060859.4, residues 229-249): RLTFYNNVNA[Cys239=]ILFLPLLLLL